The following is an entry in ClinVar:

ClinVar aggregate classification (germline): Pathogenic (1 of 4 stars; one submission).

Conditions:
Hereditary cancer-predisposing syndrome. Also called: Neoplastic Syndromes, Hereditary; Tumor predisposition; Hereditary neoplastic syndrome; Hereditary Cancer Syndrome. Identifiers: Orphanet 140162, MedGen C0027672, MeSH D009386, MONDO:0015356.
Cardiovascular phenotype. Identifiers: MedGen CN230736.

Submission:

Ambry Genetics
Classification: Pathogenic for Cardiovascular phenotype; Hereditary cancer-predisposing syndrome. Last evaluated: 2023-06-15. Review status: criteria provided, single submitter. Criteria: Ambry Variant Classification Scheme 2023. Collection method: clinical testing. Allele origin: germline.
Comment: The c.745delC pathogenic mutation, located in coding exon 8 of the NF1 gene, results from a deletion of one nucleotide at nucleotide position 745, causing a translational frameshift with a predicted alternate stop codon (p.L249Yfs*32). This variant is considered to be rare based on population cohorts in the Genome Aggregation Database (gnomAD). This alteration is expected to result in loss of function by premature protein truncation or nonsense-mediated mRNA decay. As such, this alteration is interpreted as a disease-causing mutation.

NM_001042492.3(NF1):c.745del (p.Leu249fs)

Gene: NF1 (neurofibromin 1; plus strand). Cytogenetic location: 17q11.2.
Variant type: Deletion.
Coding change: c.745del on transcript NM_001042492.3 (MANE Select); coding-DNA position 745, one base deleted (C; older notation c.745delC).
Protein change: p.Leu249fs; shifts the reading frame from leucine 249.
Molecular consequence: frameshift variant.
Genome position (GRCh38, 1-based): chr17:31,182,522, C deleted. VCF-style (leftmost placement, unchanged base first): chr17-31182521-GC-G. GRCh37 (hg19) VCF-style: chr17-29509539-GC-G.
Other names: c.745delC (NM_000267.3); c.745delC, p.Leu249Tyrfs (NM_000267.4); c.745del, p.Leu249fs (NM_001128147.3); short protein forms L249fs.
Identifiers: ClinVar variation 3237941 (VCV003237941.1), dbSNP rs2544753178.
Genomic context (GRCh38, chr17:31,182,521, plus strand): 5'-GATTTTGTTCCTATCTAATAATGTCATTTAATATATTTTTCATGCAGAATGTGCAGAAAA[GC>G]TATTTGACTTGGTGGATGGTTTTGCTGAAAGCACCAAACGTAAAGCAGCAGTTTGGCCAC-3'